The following is an entry in ClinVar:

NM_020923.3(ZDBF2):c.6140G>A (p.Arg2047Gln)

Gene: ZDBF2 (zinc finger DBF-type containing 2; plus strand). Cytogenetic location: 2q33.3.
Variant type: single nucleotide variant.
Coding change: c.6140G>A on transcript NM_020923.3 (MANE Select); coding-DNA position 6140, G replaced by A.
Protein change: p.Arg2047Gln; replaces arginine 2047 with glutamine.
Molecular consequence: missense variant.
Genome position (GRCh38, 1-based): chr2:206,310,668, G>A. VCF-style: chr2-206310668-G-A. GRCh37 (hg19) VCF-style: chr2-207175392-G-A.
Other names: c.6134G>A, p.Arg2045Gln (NM_001285549.2); c.6140G>A, p.Arg2047Gln (NM_001369654.1); short protein forms R2045Q, R2047Q.
Identifiers: ClinVar variation 2959919 (VCV002959919.3), dbSNP rs765117268, ClinGen allele CA2072596.

ClinVar aggregate classification (germline): Uncertain significance (1 of 4 stars; one submission).

Allele frequency attached by ClinVar (database versions not stated): ExAC 0.00003; TOPMed 0.00004; gnomAD 0.00007.
gnomAD v4.1: 41 of 1,611,090 alleles (0.0025%); highest among the groups gnomAD compares: South Asian, 0.011%; no homozygotes.

Submission:

Labcorp Genetics (formerly Invitae), Labcorp
Classification: Uncertain significance. Last evaluated: 2023-04-23. Review status: criteria provided, single submitter. Criteria: Invitae Variant Classification Sherloc (09022015). Collection method: clinical testing. Allele origin: germline.
Comment: This variant has not been reported in the literature in individuals affected with ZDBF2-related conditions. This variant is present in population databases (rs765117268, gnomAD 0.008%). This sequence change replaces arginine, which is basic and polar, with glutamine, which is neutral and polar, at codon 2047 of the ZDBF2 protein (p.Arg2047Gln). In summary, the available evidence is currently insufficient to determine the role of this variant in disease. Therefore, it has been classified as a Variant of Uncertain Significance. Algorithms developed to predict the effect of missense changes on protein structure and function output the following: SIFT: "Not Available"; PolyPhen-2: "Benign"; Align-GVGD: "Not Available". The glutamine amino acid residue is found in multiple mammalian species, which suggests that this missense change does not adversely affect protein function.